The following is an entry in ClinVar:

NM_001099922.3(ALG13):c.2128A>C (p.Asn710His)

Gene: ALG13 (ALG13 UDP-N-acetylglucosaminyltransferase subunit; plus strand). Cytogenetic location: Xq23.
Variant type: single nucleotide variant.
Coding change: c.2128A>C on transcript NM_001099922.3 (MANE Select); coding-DNA position 2128, A replaced by C.
Protein change: p.Asn710His; replaces asparagine 710 with histidine.
Molecular consequence: missense variant. On other transcripts: non-coding transcript variant (1).
Genome position (GRCh38, 1-based): chrX:111,727,651, A>C. VCF-style: chrX-111727651-A-C. GRCh37 (hg19) VCF-style: chrX-110970879-A-C.
Other names: c.1816A>C, p.Asn606His (NM_001257230.2, NM_001257234.2, NM_001257237.2); c.1894A>C, p.Asn632His (NM_001257231.2); c.2128A>C, p.Asn710His (NM_001324292.2); c.1642A>C, p.Asn548His (NM_001324293.1); short protein forms N548H, N606H, N632H, N710H.
Identifiers: ClinVar variation 4086522 (VCV004086522.1).

ClinVar aggregate classification (germline): Uncertain significance (1 of 4 stars; one submission).

gnomAD v4.1: 1 of 1,210,177 alleles (0.000083%); highest among the groups gnomAD compares: Non-Finnish European, 0.00011%; no homozygotes.

Submission:

GeneDx
Classification: Uncertain significance. Last evaluated: 2025-03-12. Review status: criteria provided, single submitter. Criteria: GeneDx Variant Classification Process June 2021. Collection method: clinical testing. Allele origin: germline. Affected: yes.
Comment: Not observed at significant frequency in large population cohorts (gnomAD); In silico analysis supports that this missense variant has a deleterious effect on protein structure/function; Has not been previously published as pathogenic or benign to our knowledge